The following is an entry in ClinVar:

NM_001849.4(COL6A2):c.596A>G (p.Gln199Arg)

Gene: COL6A2 (collagen type VI alpha 2 chain; plus strand). Cytogenetic location: 21q22.3.
Variant type: single nucleotide variant.
Coding change: c.596A>G on transcript NM_001849.4 (MANE Select); coding-DNA position 596, A replaced by G.
Protein change: p.Gln199Arg; replaces glutamine 199 with arginine.
Molecular consequence: missense variant.
Genome position (GRCh38, 1-based): chr21:46,112,459, A>G. VCF-style: chr21-46112459-A-G. GRCh37 (hg19) VCF-style: chr21-47532373-A-G.
Other names: c.596A>G, p.Gln199Arg (NM_058174.3, NM_058175.3); c.596A>G (NM_001849.3); short protein forms Q199R.
Identifiers: ClinVar variation 289046 (VCV000289046.12), dbSNP rs886044068, ClinGen allele CA10606308.

ClinVar aggregate classification (germline): Uncertain significance. Review status: criteria provided, multiple submitters, no conflicts (2 of 4 stars). 4 submissions from 4 submitters: Uncertain significance (4). Last evaluated 2025-09-22.

Conditions:
Inborn genetic diseases. Identifiers: MedGen C0950123, MeSH D030342.
Bethlem myopathy 1A. Also called: Bethlem Muscular Dystrophy; MYOPATHY, BENIGN CONGENITAL, WITH CONTRACTURES; Bethlem myopathy 1. Identifiers: Orphanet 610, MedGen CN029274, MONDO:0024530, OMIM 158810.

Allele frequency attached by ClinVar (database versions not stated): TOPMed 0.00002; gnomAD 0.00003.
gnomAD v4.1: 4 of 1,610,566 alleles (0.00025%); highest among the groups gnomAD compares: African/African-American, 0.0053%; no homozygotes.

Submissions (4):

Ambry Genetics
Classification: Uncertain significance for Inborn genetic diseases. Last evaluated: 2025-09-22. Review status: criteria provided, single submitter. Criteria: Ambry Variant Classification Scheme 2023. Collection method: clinical testing. Allele origin: germline.

Labcorp Genetics (formerly Invitae), Labcorp
Classification: Uncertain significance for Bethlem myopathy 1A. Last evaluated: 2025-09-16. Review status: criteria provided, single submitter. Criteria: Invitae Variant Classification Sherloc (09022015). Collection method: clinical testing. Allele origin: germline.
Comment: This sequence change replaces glutamine, which is neutral and polar, with arginine, which is basic and polar, at codon 199 of the COL6A2 protein (p.Gln199Arg). This variant is not present in population databases (gnomAD no frequency). This variant has not been reported in the literature in individuals affected with COL6A2-related conditions. ClinVar contains an entry for this variant (Variation ID: 289046). Invitae Evidence Modeling of protein sequence and biophysical properties (such as structural, functional, and spatial information, amino acid conservation, physicochemical variation, residue mobility, and thermodynamic stability) indicates that this missense variant is not expected to disrupt COL6A2 protein function with a negative predictive value of 80%. In summary, the available evidence is currently insufficient to determine the role of this variant in disease. Therefore, it has been classified as a Variant of Uncertain Significance.

Women's Health and Genetics/Laboratory Corporation of America, LabCorp
Classification: Uncertain significance. Last evaluated: 2025-05-20. Review status: criteria provided, single submitter. Criteria: LabCorp Variant Classification Summary - May 2015. Collection method: clinical testing. Allele origin: germline.
Comment: Variant summary: COL6A2 c.596A>G (p.Gln199Arg) results in a conservative amino acid change in the encoded protein sequence. Algorithms developed to predict the effect of missense changes on protein structure and function all suggest that this variant is likely to be tolerated. The variant was absent in 240928 control chromosomes. The available data on variant occurrences in the general population are insufficient to allow any conclusion about variant significance. To our knowledge, no occurrence of c.596A>G in individuals affected with COL6A2-related conditions and no experimental evidence demonstrating its impact on protein function have been reported. ClinVar contains an entry for this variant (Variation ID: 289046). Based on the evidence outlined above, the variant was classified as uncertain significance.

Eurofins Ntd Llc (ga)
Classification: Uncertain significance. Last evaluated: 2016-06-27. Review status: criteria provided, single submitter. Criteria: EGL Classification Definitions 2015. Collection method: clinical testing. Allele origin: germline. Observed: 1 variant allele, 1 heterozygote.